The following is an entry in ClinVar:

NM_001378454.1(ALMS1):c.2848G>T (p.Val950Leu)

Gene: ALMS1 (ALMS1 centrosome and basal body associated protein; plus strand). Cytogenetic location: 2p13.1.
Variant type: single nucleotide variant.
Coding change: c.2848G>T on transcript NM_001378454.1 (MANE Select); coding-DNA position 2848, G replaced by T.
Protein change: p.Val950Leu; replaces valine 950 with leucine.
Molecular consequence: missense variant.
Genome position (GRCh38, 1-based): chr2:73,449,375, G>T. VCF-style: chr2-73449375-G-T. GRCh37 (hg19) VCF-style: chr2-73676502-G-T.
Other names: c.2851G>T, p.Val951Leu (NM_015120.4); short protein forms V951L, V950L.
Identifiers: ClinVar variation 551252 (VCV000551252.12), dbSNP rs370733145, ClinGen allele CA50391976.
Genomic context (GRCh38, chr2:73,449,375, plus strand): 5'-GAAGCTCTGAAGGTTTCAGCTGTTTCTGTATTGGCTGCCCAGAAGACTGGGACACCAACA[G>T]TGTCCTCTAATTCTCACTCACATAGCGAGAAATCTAGTGTTTTCTACCAGCAAGAGTTGC-3'
Protein context (NP_001365383.1, residues 940-960): LAAQKTGTPT[Val950Leu]SSNSHSHSEK

ClinVar aggregate classification (germline): Conflicting classifications of pathogenicity. Review status: criteria provided, conflicting classifications (1 of 4 stars). 5 submissions from 5 submitters: Uncertain significance (3); Likely benign (1). 1 of the submissions does not count toward it. Last evaluated 2024-12-18.

Conditions:
Cardiovascular phenotype. Identifiers: MedGen CN230736.
Alstrom syndrome (ALMS). Identifiers: Orphanet 64, MedGen C0268425, MONDO:0008763, OMIM 203800.

Allele frequency attached by ClinVar (database versions not stated): ESP Exome Variant Server 0.00008; TOPMed 0.00004.
gnomAD v4.1: 9 of 1,613,958 alleles (0.00056%); highest among the groups gnomAD compares: African/African-American, 0.0067%; no homozygotes.

Submissions (5):

Ambry Genetics
Classification: Likely benign for Cardiovascular phenotype. Last evaluated: 2024-12-18. Review status: criteria provided, single submitter. Criteria: Ambry Variant Classification Scheme 2023. Collection method: clinical testing. Allele origin: germline.

Labcorp Genetics (formerly Invitae), Labcorp
Classification: Uncertain significance for Alstrom syndrome. Last evaluated: 2024-07-16. Review status: criteria provided, single submitter. Criteria: Invitae Variant Classification Sherloc (09022015). Collection method: clinical testing. Allele origin: germline.
Comment: This sequence change replaces valine, which is neutral and non-polar, with leucine, which is neutral and non-polar, at codon 951 of the ALMS1 protein (p.Val951Leu). This variant is not present in population databases (gnomAD no frequency). This variant has not been reported in the literature in individuals affected with ALMS1-related conditions. ClinVar contains an entry for this variant (Variation ID: 551252). Experimental studies and prediction algorithms are not available or were not evaluated, and the functional significance of this variant is currently unknown. In summary, the available evidence is currently insufficient to determine the role of this variant in disease. Therefore, it has been classified as a Variant of Uncertain Significance.

GeneDx
Classification: Uncertain significance. Last evaluated: 2023-10-19. Review status: criteria provided, single submitter. Criteria: GeneDx Variant Classification Process June 2021. Collection method: clinical testing. Allele origin: germline.
Comment: Not observed at significant frequency in large population cohorts (gnomAD); In silico analysis supports that this missense variant does not alter protein structure/function; Has not been previously published as pathogenic or benign to our knowledge

Fulgent Genetics
Classification: Uncertain significance for Alstrom syndrome. Last evaluated: 2021-08-02. Review status: criteria provided, single submitter. Criteria: ACMG Guidelines, 2015. Collection method: clinical testing. Allele origin: unknown.

Counsyl
Classification: Uncertain significance for Alstrom syndrome. Last evaluated: 2017-03-28. Review status: no assertion criteria provided. Collection method: clinical testing. Allele origin: unknown. Not counted in ClinVar's aggregate classification.